The following is an entry in ClinVar:

ClinVar aggregate classification (germline): Uncertain significance/Uncertain risk allele. Review status: criteria provided, multiple submitters, no conflicts (2 of 4 stars). 7 submissions from 7 submitters: Uncertain significance (6); Uncertain risk allele (1). Last evaluated 2025-07-31.

Conditions:
Wolfram syndrome 1 (WFS1). Identifiers: Orphanet 3463, MedGen C4551693, MONDO:0009101, OMIM 222300.

Allele frequency attached by ClinVar (database versions not stated): gnomAD below 0.00001 and 0.00003; TOPMed below 0.00001; gnomAD exomes 0.00004; ExAC 0.00007; 1000 Genomes Project 30x 0.00031; 1000 Genomes Project 0.00040.
gnomAD v4.1: 39 of 1,613,134 alleles (0.0024%); highest among the groups gnomAD compares: South Asian, 0.026%; no homozygotes.

Submissions (7):

GeneDx
Classification: Uncertain significance. Last evaluated: 2025-07-31. Review status: criteria provided, single submitter. Criteria: GeneDx Variant Classification Process June 2021. Collection method: clinical testing. Allele origin: germline. Affected: yes.
Comment: Identified in a patient with hearing loss in published literature (PMID: Gupta2018[CaseReport]); In silico analysis suggests that this missense variant does not alter protein structure/function; This variant is associated with the following publications: (PMID: 34426522, Gupta2018[CaseReport])

Blueprint Genetics
Classification: Uncertain significance. Last evaluated: 2024-07-31. Review status: criteria provided, single submitter. Criteria: ACMG Guidelines, 2015. Collection method: clinical testing. Allele origin: germline.

Labcorp Genetics (formerly Invitae), Labcorp
Classification: Uncertain significance. Last evaluated: 2024-07-05. Review status: criteria provided, single submitter. Criteria: Invitae Variant Classification Sherloc (09022015). Collection method: clinical testing. Allele origin: germline.
Comment: This sequence change replaces alanine, which is neutral and non-polar, with threonine, which is neutral and polar, at codon 878 of the WFS1 protein (p.Ala878Thr). This variant is present in population databases (rs570527044, gnomAD 0.03%). This variant has not been reported in the literature in individuals affected with WFS1-related conditions. ClinVar contains an entry for this variant (Variation ID: 229645). Advanced modeling of protein sequence and biophysical properties (such as structural, functional, and spatial information, amino acid conservation, physicochemical variation, residue mobility, and thermodynamic stability) has been performed at Invitae for this missense variant, however the output from this modeling did not meet the statistical confidence thresholds required to predict the impact of this variant on WFS1 protein function. In summary, the available evidence is currently insufficient to determine the role of this variant in disease. Therefore, it has been classified as a Variant of Uncertain Significance.

Genetic Services Laboratory, University of Chicago
Classification: Uncertain significance. Last evaluated: 2019-07-10. Review status: criteria provided, single submitter. Criteria: ACMG Guidelines, 2015. Collection method: clinical testing. Allele origin: germline. Affected: no.

CeGaT Center for Human Genetics Tuebingen
Classification: Uncertain significance. Last evaluated: 2018-11-01. Review status: criteria provided, single submitter. Criteria: CeGaT Center For Human Genetics Tuebingen Variant Classification Criteria Version 2. Collection method: clinical testing. Allele origin: germline. Affected: yes. Observed: 1 variant allele.

Laboratory for Molecular Medicine, Mass General Brigham Personalized Medicine
Classification: Uncertain significance. Last evaluated: 2015-08-24. Review status: criteria provided, single submitter. Criteria: LMM Criteria. Collection method: clinical testing. Allele origin: germline. Observed: 1 variant allele.
Comment: The p.Ala878Thr variant in WFS1 has not been previously reported in individuals with hearing loss or Wolfram syndrome, but has been identified in 6/16452 of Sou th Asian chromosomes by the Exome Aggregation Consortium (ExAC; dbSNP rs570527044). Computational prediction tools and conservat ion analysis suggest that the p.Ala878Thr variant may not impact the protein, th ough this information is not predictive enough to rule out pathogenicity. In sum mary, the clinical significance of the p.Ala878Thr variant is uncertain.

Clinical Genomics, Uppaluri K&H Personalized Medicine Clinic
Classification: Uncertain risk allele for Wolfram syndrome 1. Review status: criteria provided, single submitter. Criteria: K & H Uppaluri Personalized Medicine Clinic Variant Classification & Assertion Criteria_Updated V.1. Collection method: research. Allele origin: unknown. Inheritance: Autosomal recessive inheritance.
Comment: Potent mutations in WFS1 gene are associated with Wolfram's syndrome, an autosomal recessive condition, which cause diabetes mellitus, diabetes insipidus, deafness and optic atrophy.However no sufficient evidence is found to ascertain the role of this particular variant rs570527044 in Wolfram's syndrome yet.

Literature cited by the submitters: PubMed 20738327 (cited by Clinical Genomics, Uppaluri K&H Personalized Medicine Clinic); PubMed 33879153 (cited by Clinical Genomics, Uppaluri K&H Personalized Medicine Clinic); PubMed 12955714 (cited by Clinical Genomics, Uppaluri K&H Personalized Medicine Clinic); PubMed 18060660 (cited by Clinical Genomics, Uppaluri K&H Personalized Medicine Clinic); PubMed 20301750 (cited by Clinical Genomics, Uppaluri K&H Personalized Medicine Clinic); PubMed 17603484 (cited by Clinical Genomics, Uppaluri K&H Personalized Medicine Clinic).

NM_006005.3(WFS1):c.2632G>A (p.Ala878Thr)

Gene: WFS1 (wolframin ER transmembrane glycoprotein; plus strand). Cytogenetic location: 4p16.1.
Variant type: single nucleotide variant.
Coding change: c.2632G>A on transcript NM_006005.3 (MANE Select); coding-DNA position 2632, G replaced by A.
Protein change: p.Ala878Thr; replaces alanine 878 with threonine.
Molecular consequence: missense variant.
Genome position (GRCh38, 1-based): chr4:6,302,427, G>A. VCF-style: chr4-6302427-G-A. GRCh37 (hg19) VCF-style: chr4-6304154-G-A.
Other names: c.2632G>A, p.Ala878Thr (NM_001145853.1); short protein forms A878T.
Identifiers: ClinVar variation 229645 (VCV000229645.57), dbSNP rs570527044, ClinGen allele CA2839814.
Genomic context (GRCh38, chr4:6,302,427, plus strand): 5'-AGGCGGCACGTGAAGATCGAGCACGACTGGCGCAGCACCGTGCATGGCGCCGTGAAGTTC[G>A]CCTTCGACTTCTTTTTCTTCCCATTCCTGTCGGCGGCCTGAGGATGGTCCGCCACGAGGA-3'
Protein context (NP_005996.2, residues 868-888): RSTVHGAVKF[Ala878Thr]FDFFFFPFLS